The following is an entry in ClinVar:

NM_003098.3(SNTA1):c.1378G>A (p.Gly460Ser)

Gene: SNTA1 (syntrophin alpha 1; minus strand). Cytogenetic location: 20q11.21.
Variant type: single nucleotide variant.
Coding change: c.1378G>A on transcript NM_003098.3 (MANE Select); coding-DNA position 1378, G replaced by A.
Protein change: p.Gly460Ser; replaces glycine 460 with serine.
Molecular consequence: missense variant.
Genome position (GRCh38, 1-based): chr20:33,408,748, C>T on the plus strand (G>A on the coding strand, the complement: SNTA1 is on the minus strand). VCF-style: chr20-33408748-C-T. GRCh37 (hg19) VCF-style: chr20-31996554-C-T.
Other names: c.1378G>A (NM_003098.2); short protein forms G460S.
Identifiers: ClinVar variation 1480612 (VCV001480612.8), dbSNP rs368660364, ClinGen allele CA9816972.

ClinVar aggregate classification (germline): Uncertain significance. Review status: criteria provided, multiple submitters, no conflicts (2 of 4 stars). 3 submissions from 3 submitters: Uncertain significance (3). Last evaluated 2025-03-26.

Conditions:
Long QT syndrome (LQTS). Identifiers: MedGen C0023976, MeSH D008133, MONDO:0002442. Disease mechanism: loss of function. Inheritance: Various modes of inheritance.
Cardiovascular phenotype. Identifiers: MedGen CN230736.

Allele frequency attached by ClinVar (database versions not stated): gnomAD exomes below 0.00001 and 0.00002; gnomAD 0.00001 and 0.00003; ExAC 0.00002; ESP Exome Variant Server 0.00008.
gnomAD v4.1: 10 of 1,614,034 alleles (0.00062%); highest among the groups gnomAD compares: South Asian, 0.0044%; no homozygotes.

Submissions (3):

Ambry Genetics
Classification: Uncertain significance for Cardiovascular phenotype. Last evaluated: 2025-03-26. Review status: criteria provided, single submitter. Criteria: Ambry Variant Classification Scheme 2023. Collection method: clinical testing. Allele origin: germline.
Comment: The p.G460S variant (also known as c.1378G>A), located in coding exon 7 of the SNTA1 gene, results from a G to A substitution at nucleotide position 1378. The glycine at codon 460 is replaced by serine, an amino acid with similar properties. This amino acid position is highly conserved in available vertebrate species. In addition, this alteration is predicted to be deleterious by in silico analysis. The evidence for this gene-disease relationship is limited; therefore, the clinical significance of this alteration is unclear.

Labcorp Genetics (formerly Invitae), Labcorp
Classification: Uncertain significance for Long QT syndrome. Last evaluated: 2025-02-19. Review status: criteria provided, single submitter. Criteria: Invitae Variant Classification Sherloc (09022015). Collection method: clinical testing. Allele origin: germline.
Comment: This sequence change replaces glycine, which is neutral and non-polar, with serine, which is neutral and polar, at codon 460 of the SNTA1 protein (p.Gly460Ser). This variant is present in population databases (rs368660364, gnomAD 0.006%). This missense change has been observed in individual(s) with sudden infant death syndrome (PMID: 20009079). ClinVar contains an entry for this variant (Variation ID: 1480612). Invitae Evidence Modeling of protein sequence and biophysical properties (such as structural, functional, and spatial information, amino acid conservation, physicochemical variation, residue mobility, and thermodynamic stability) indicates that this missense variant is not expected to disrupt SNTA1 protein function with a negative predictive value of 80%. Experimental studies have shown that this missense change affects SNTA1 function (PMID: 20009079). In summary, the available evidence is currently insufficient to determine the role of this variant in disease. Therefore, it has been classified as a Variant of Uncertain Significance.

GeneDx
Classification: Uncertain significance. Last evaluated: 2023-04-03. Review status: criteria provided, single submitter. Criteria: GeneDx Variant Classification Process June 2021. Collection method: clinical testing. Allele origin: germline. Affected: yes.
Comment: Identified in a case of sudden infant death syndrome (SIDS) in published literature (Cheng et al., 2009); Not observed at significant frequency in large population cohorts (gnomAD); A published functional study suggests a damaging effect via higher peak and late sodium currents compared to wild type alone (Cheng et al., 2009); In silico analysis supports that this missense variant has a deleterious effect on protein structure/function; This variant is associated with the following publications: (PMID: 20009079, 31043699, 23465283)

Literature cited by the submitters: PubMed 20009079 (cited by Labcorp Genetics (formerly Invitae), Labcorp).